The following is an entry in ClinVar:

NC_000017.10:g.(?_32908096)_(33513578_?)dup

Genes: CCT6B (chaperonin containing TCP1 subunit 6B; minus strand), FNDC8 (fibronectin type III domain containing 8; plus strand), LIG3 (DNA ligase 3; plus strand), NLE1 (notchless homolog 1; minus strand), RAD51D (RAD51 paralog D; minus strand) and 4 more. Cytogenetic location: 17q12.
Variant type: Duplication.
Identifiers: ClinVar variation 3243216 (VCV003243216.1).

ClinVar aggregate classification (germline): Uncertain significance (1 of 4 stars; one submission).

Submission:

Labcorp Genetics (formerly Invitae), Labcorp
Classification: Uncertain significance. Last evaluated: 2023-01-28. Review status: criteria provided, single submitter. Criteria: Invitae Variant Classification Sherloc (09022015). Collection method: clinical testing. Allele origin: unknown.
Comment: A copy number gain of the genomic region encompassing the full coding sequence of the UNC45B gene has been identified. The boundaries of this event are unknown as they extend beyond the assayed region for this gene and therefore may encompass additional genes. As the precise location of this event is unknown, it may be in tandem or it may be located elsewhere in the genome. This variant has not been reported in the literature in individuals affected with UNC45B-related conditions. Experimental studies and prediction algorithms are not available or were not evaluated, and the functional significance of this variant is currently unknown. In summary, the available evidence is currently insufficient to determine the role of this variant in disease. Therefore, it has been classified as a Variant of Uncertain Significance.